The following is an entry in ClinVar:

ClinVar aggregate classification (germline): Uncertain significance (1 of 4 stars; one submission).

Conditions:
Pyridoxal phosphate-responsive seizures (PNPOD). Also called: Pyridoxine-5'-phosphate oxidase deficiency; EPILEPTIC ENCEPHALOPATHY, NEONATAL, PNPO-RELATED; SEIZURES, PYRIDOXINE-RESISTANT, PLP-SENSITIVE; Pyridoxamine 5-Prime-Phosphate Oxidase Deficiency; Pyridoxal 5'-Phosphate (PLP)-Dependent Epilepsy. Identifiers: Orphanet 79096, MedGen C1864723, MONDO:0012407, OMIM 610090. Disease mechanism: loss of function.

Allele frequency attached by ClinVar (database versions not stated): TOPMed 0.00002.
gnomAD v4.1: 15 of 1,613,994 alleles (0.00093%); highest among the groups gnomAD compares: East Asian, 0.0045%; no homozygotes.

Submission:

Labcorp Genetics (formerly Invitae), Labcorp
Classification: Uncertain significance for Pyridoxal phosphate-responsive seizures. Last evaluated: 2021-09-01. Review status: criteria provided, single submitter. Criteria: Invitae Variant Classification Sherloc (09022015). Collection method: clinical testing. Allele origin: germline.
Comment: This sequence change replaces arginine with histidine at codon 108 of the PNPO protein (p.Arg108His). The arginine residue is moderately conserved and there is a small physicochemical difference between arginine and histidine. This variant is not present in population databases (ExAC no frequency). This variant has not been reported in the literature in individuals affected with PNPO-related conditions. Algorithms developed to predict the effect of missense changes on protein structure and function output the following: SIFT: "Tolerated"; PolyPhen-2: "Benign"; Align-GVGD: "Class C0". The histidine amino acid residue is found in multiple mammalian species, which suggests that this missense change does not adversely affect protein function. In summary, the available evidence is currently insufficient to determine the role of this variant in disease. Therefore, it has been classified as a Variant of Uncertain Significance.

NM_018129.4(PNPO):c.323G>A (p.Arg108His)

Gene: PNPO (pyridoxamine 5'-phosphate oxidase; plus strand). Cytogenetic location: 17q21.32.
Variant type: single nucleotide variant.
Coding change: c.323G>A on transcript NM_018129.4 (MANE Select); coding-DNA position 323, G replaced by A.
Protein change: p.Arg108His; replaces arginine 108 with histidine.
Molecular consequence: missense variant.
Genome position (GRCh38, 1-based): chr17:47,944,675, G>A. VCF-style: chr17-47944675-G-A. GRCh37 (hg19) VCF-style: chr17-46022041-G-A.
Other names: short protein forms R108H.
Identifiers: ClinVar variation 966469 (VCV000966469.6), dbSNP rs769985808, ClinGen allele CA400057151.
Genomic context (GRCh38, chr17:47,944,675, plus strand): 5'-GAGATGGAAAACCCTCTGCTCGCATGTTGCTGCTGAAGGGCTTCGGGAAAGATGGCTTCC[G>A]CTTCTTCACTAACTTCGAGAGTCGAAAAGGAAAAGAGCTGGTGGGTGAAAAGAGCTAGTA-3'
Protein context (NP_060599.1, residues 98-118): LLKGFGKDGF[Arg108His]FFTNFESRKG